The following is an entry in ClinVar:

NM_000219.6(KCNE1):c.50G>A (p.Trp17Ter)

Gene: KCNE1 (potassium voltage-gated channel subfamily E regulatory subunit 1; minus strand). Cytogenetic location: 21q22.12.
Variant type: single nucleotide variant.
Coding change: c.50G>A on transcript NM_000219.6 (MANE Select); coding-DNA position 50, G replaced by A.
Protein change: p.Trp17Ter; replaces tryptophan 17 with a stop codon.
Molecular consequence: nonsense.
Genome position (GRCh38, 1-based): chr21:34,449,585, C>T on the plus strand (G>A on the coding strand, the complement: KCNE1 is on the minus strand). VCF-style: chr21-34449585-C-T. GRCh37 (hg19) VCF-style: chr21-35821883-C-T.
Other names: c.50G>A, p.Trp17Ter (NM_001127668.4, NM_001127669.4, NM_001127670.4 and 4 more transcripts); short protein forms W17*.
Identifiers: ClinVar variation 547163 (VCV000547163.3), dbSNP rs779124360, ClinGen allele CA320425519.

ClinVar aggregate classification (germline): Pathogenic (0 of 4 stars; one submission).

Conditions:
Jervell and Lange-Nielsen syndrome 2 (JLNS2). Identifiers: Orphanet 768, Orphanet 90647, MedGen C2676723, MONDO:0012871, OMIM 612347.

Allele frequency attached by ClinVar (database versions not stated): gnomAD exomes below 0.00001; ExAC 0.00001.

Submissions (2):

National Institute on Deafness and Communication Disorders, National Institutes of Health
Classification: Pathogenic for Jervell and Lange-Nielsen syndrome 2. Last evaluated: 2018-06-21. Review status: no assertion criteria provided. Collection method: research. Allele origin: germline. Affected: yes. Observed: 1 homozygote. Segregation with disease observed.

Roden Lab, Vanderbilt University Medical Center
No classification provided (evidence only). Condition: Long QT syndrome 5. Review status: no classification provided. Collection method: in vitro. Allele origin: not applicable. Functional consequence: Effect on ion channel function. Not counted in ClinVar's aggregate classification.
ClinVar note: "not provided" was previously submitted as the classification for the variant. However, the classification appeared to be based only on an observation of functional data so it was converted to no classification on 2025-07-30.